The following is an entry in ClinVar:

NM_000036.3(AMPD1):c.1220T>C (p.Ile407Thr)

Gene: AMPD1 (adenosine monophosphate deaminase 1; minus strand). Cytogenetic location: 1p13.2.
Variant type: single nucleotide variant.
Coding change: c.1220T>C on transcript NM_000036.3 (MANE Select); coding-DNA position 1220, T replaced by C.
Protein change: p.Ile407Thr; replaces isoleucine 407 with threonine.
Molecular consequence: missense variant.
Genome position (GRCh38, 1-based): chr1:114,677,914, A>G on the plus strand (T>C on the coding strand, the complement: AMPD1 is on the minus strand). VCF-style: chr1-114677914-A-G. GRCh37 (hg19) VCF-style: chr1-115220535-A-G.
Other names: c.1208T>C, p.Ile403Thr (NM_001172626.2); c.1319T>C (NM_000036.2); short protein forms I403T, I407T.
Identifiers: ClinVar variation 1958703 (VCV001958703.6), dbSNP rs960218778, ClinGen allele CA29055257.

ClinVar aggregate classification (germline): Uncertain significance. Review status: criteria provided, multiple submitters, no conflicts (2 of 4 stars). 2 submissions from 2 submitters: Uncertain significance (2). Last evaluated 2025-06-23.

Conditions:
Inborn genetic diseases. Identifiers: MedGen C0950123, MeSH D030342.
Muscle AMP deaminase deficiency (MMDD). Also called: Myoadenylate deaminase deficiency, myopathy due to; Adenosine monophosphate deaminase 1 deficiency; AMP deaminase 1 deficiency; Adenosine Monophosphate Deaminase 1; ADENOSINE MONOPHOSPHATE DEAMINASE-1 DEFICIENCY, MYOPATHY DUE TO; AMPD1 DEFICIENCY. Identifiers: Orphanet 45, MedGen C3714933, MONDO:0014220, OMIM 615511.

Allele frequency attached by ClinVar (database versions not stated): gnomAD exomes below 0.00001; gnomAD 0.00002.
gnomAD v4.1: 6 of 1,612,456 alleles (0.00037%); highest among the groups gnomAD compares: African/African-American, 0.0081%; no homozygotes.

Submissions (2):

Ambry Genetics
Classification: Uncertain significance for Inborn genetic diseases. Last evaluated: 2025-06-23. Review status: criteria provided, single submitter. Criteria: Ambry Variant Classification Scheme 2023. Collection method: clinical testing. Allele origin: germline.

Labcorp Genetics (formerly Invitae), Labcorp
Classification: Uncertain significance for Muscle AMP deaminase deficiency. Last evaluated: 2025-02-09. Review status: criteria provided, single submitter. Criteria: Invitae Variant Classification Sherloc (09022015). Collection method: clinical testing. Allele origin: germline.
Comment: This sequence change replaces isoleucine, which is neutral and non-polar, with threonine, which is neutral and polar, at codon 440 of the AMPD1 protein (p.Ile440Thr). This variant is present in population databases (no rsID available, gnomAD 0.008%). This variant has not been reported in the literature in individuals affected with AMPD1-related conditions. ClinVar contains an entry for this variant (Variation ID: 1958703). Invitae Evidence Modeling of protein sequence and biophysical properties (such as structural, functional, and spatial information, amino acid conservation, physicochemical variation, residue mobility, and thermodynamic stability) indicates that this missense variant is not expected to disrupt AMPD1 protein function with a negative predictive value of 80%. In summary, the available evidence is currently insufficient to determine the role of this variant in disease. Therefore, it has been classified as a Variant of Uncertain Significance.